The following is an entry in ClinVar:

ClinVar aggregate classification (germline): Pathogenic (1 of 4 stars; one submission).

Conditions:
Epilepsy. Also called: Seizure disorder. Identifiers: MedGen C0014544, MeSH D004827, MONDO:0005027.

Allele frequency attached by ClinVar (database versions not stated): gnomAD 0.00001; gnomAD exomes 0.00001.

Submission:

Labcorp Genetics (formerly Invitae), Labcorp
Classification: Pathogenic for Epilepsy. Last evaluated: 2024-04-18. Review status: criteria provided, single submitter. Criteria: Invitae Variant Classification Sherloc (09022015). Collection method: clinical testing. Allele origin: germline.
Comment: This sequence change creates a premature translational stop signal (p.Arg230*) in the PIGQ gene. It is expected to result in an absent or disrupted protein product. Loss-of-function variants in PIGQ are known to be pathogenic (PMID: 24463883, 25558065). This variant is present in population databases (no rsID available, gnomAD 0.005%). This variant has not been reported in the literature in individuals affected with PIGQ-related conditions. ClinVar contains an entry for this variant (Variation ID: 578064). For these reasons, this variant has been classified as Pathogenic.

Literature cited by the submitters: PubMed 24463883; PubMed 25558065.

NM_004204.5(PIGQ):c.688C>T (p.Arg230Ter)

Gene: PIGQ (phosphatidylinositol glycan anchor biosynthesis class Q; plus strand). Cytogenetic location: 16p13.3.
Variant type: single nucleotide variant.
Coding change: c.688C>T on transcript NM_004204.5 (MANE Select); coding-DNA position 688, C replaced by T.
Protein change: p.Arg230Ter; replaces arginine 230 with a stop codon.
Molecular consequence: nonsense.
Genome position (GRCh38, 1-based): chr16:574,762, C>T. VCF-style: chr16-574762-C-T. GRCh37 (hg19) VCF-style: chr16-624762-C-T.
Other names: c.688C>T, p.Arg230Ter (NM_148920.4); short protein forms R230*.
Identifiers: ClinVar variation 578064 (VCV000578064.6), dbSNP rs1206309859, ClinGen allele CA394050390.
Genomic context (GRCh38, chr16:574,762, plus strand): 5'-GGACCCATTTGCCTGCTGTTGGCCAGCCTGCTGTCGCTGGTCTCAGCTGTCAGTGCCTGC[C>T]GGTAGGTGTCCCGGGACAGGCAGGTGGCAAAGAGTGGGGTCCCATGAGTGCTGGCCCATC-3'